The following is an entry in ClinVar:

NM_001613.4(ACTA2):c.814G>T (p.Glu272Ter)

Genes: ACTA2-AS1 (ACTA2 antisense RNA 1; plus strand), ACTA2 (actin alpha 2, smooth muscle; minus strand). Cytogenetic location: 10q23.31.
Variant type: single nucleotide variant.
Coding change: c.814G>T on transcript NM_001613.4 (MANE Select); coding-DNA position 814, G replaced by T.
Protein change: p.Glu272Ter; replaces glutamic acid 272 with a stop codon.
Molecular consequence: nonsense. On other transcripts: non-coding transcript variant (1).
Genome position (GRCh38, 1-based): chr10:88,938,237, C>A on the plus strand (G>T on the coding strand, the complement: ACTA2 is on the minus strand). VCF-style: chr10-88938237-C-A. GRCh37 (hg19) VCF-style: chr10-90697994-C-A.
Other names: c.814G>T, p.Glu272Ter (NM_001141945.3, NM_001320855.2, NM_001406462.1 and 2 more transcripts); c.703G>T, p.Glu235Ter (NM_001406466.1); c.685G>T, p.Glu229Ter (NM_001406467.1, NM_001406468.1, NM_001406469.1); c.622G>T, p.Glu208Ter (NM_001406471.1); short protein forms E272*, E229*, E235*, E208*.
Identifiers: ClinVar variation 969713 (VCV000969713.10), dbSNP rs1845781818, ClinGen allele CA377511037.
Genomic context (GRCh38, chr10:88,938,237, plus strand): 5'-TGATGTCAATATCACACTTCATGATGCTGTTGTAGGTGGTTTCATGGATGCCAGCAGACT[C>A]CATCCCTGGAAAAGAGACACAGGCCATGGTCCTTAAGTGGAGAGTAAAACCCAGGCTAGA-3'

ClinVar aggregate classification (germline): Uncertain significance. Review status: criteria provided, multiple submitters, no conflicts (2 of 4 stars). 2 submissions from 2 submitters: Uncertain significance (2). Last evaluated 2026-06-17.

Conditions:
ACTA2-related disorder. Also called: ACTA2-related disorders; ACTA2-related condition.
Aortic aneurysm, familial thoracic 6 (AAT6). Also called: FAMILIAL THORACIC AORTIC ANEURYSM WITH LIVEDO RETICULARIS AND IRIS FLOCCULI. Identifiers: MedGen C2673186, MONDO:0012730, OMIM 611788.

Submissions (2):

PreventionGenetics, part of Exact Sciences
Classification: Uncertain significance for ACTA2-related condition. Last evaluated: 2026-06-17. Review status: criteria provided, single submitter. Criteria: ACMG Guidelines, 2015. Collection method: clinical testing. Allele origin: germline.
Comment: The ACTA2 c.814G>T variant is predicted to result in premature protein termination (p.Glu272*). To our knowledge, this variant has not been reported in the literature or in a large population database (gnomAD), indicating this variant is rare. At this time, the clinical significance of this variant is uncertain due to the absence of conclusive functional and genetic evidence.

Labcorp Genetics (formerly Invitae), Labcorp
Classification: Uncertain significance for Aortic aneurysm, familial thoracic 6. Last evaluated: 2026-01-27. Review status: criteria provided, single submitter. Criteria: Invitae Variant Classification Sherloc (09022015). Collection method: clinical testing. Allele origin: germline.
Comment: This sequence change creates a premature translational stop signal (p.Glu272*) in the ACTA2 gene. It is expected to result in an absent or disrupted protein product. However, the current clinical and genetic evidence is not sufficient to establish whether loss-of-function variants in ACTA2 cause disease. This variant is not present in population databases (gnomAD no frequency). This variant has not been reported in the literature in individuals affected with ACTA2-related conditions. ClinVar contains an entry for this variant (Variation ID: 969713). In summary, the available evidence is currently insufficient to determine the role of this variant in disease. Therefore, it has been classified as a Variant of Uncertain Significance.